The following is an entry in ClinVar:

ClinVar aggregate classification (germline): Uncertain significance (1 of 4 stars; one submission).

Submission:

Labcorp Genetics (formerly Invitae), Labcorp
Classification: Uncertain significance. Last evaluated: 2022-02-17. Review status: criteria provided, single submitter. Criteria: Invitae Variant Classification Sherloc (09022015). Collection method: clinical testing. Allele origin: germline.
Comment: This sequence change replaces tyrosine, which is neutral and polar, with histidine, which is basic and polar, at codon 790 of the GRM6 protein (p.Tyr790His). This variant is not present in population databases (gnomAD no frequency). This variant has not been reported in the literature in individuals affected with GRM6-related conditions. Advanced modeling of protein sequence and biophysical properties (such as structural, functional, and spatial information, amino acid conservation, physicochemical variation, residue mobility, and thermodynamic stability) performed at Invitae indicates that this missense variant is expected to disrupt GRM6 protein function. In summary, the available evidence is currently insufficient to determine the role of this variant in disease. Therefore, it has been classified as a Variant of Uncertain Significance.

NM_000843.4(GRM6):c.2368T>C (p.Tyr790His)

Genes: GRM6 (glutamate metabotropic receptor 6; minus strand), ZNF454 (zinc finger protein 454; plus strand). Cytogenetic location: 5q35.3.
Variant type: single nucleotide variant.
Coding change: c.2368T>C on transcript NM_000843.4 (MANE Select); coding-DNA position 2368, T replaced by C.
Protein change: p.Tyr790His; replaces tyrosine 790 with histidine.
Molecular consequence: missense variant.
Genome position (GRCh38, 1-based): chr5:178,982,978, A>G on the plus strand (T>C on the coding strand, the complement: GRM6 is on the minus strand). VCF-style: chr5-178982978-A-G. GRCh37 (hg19) VCF-style: chr5-178409979-A-G.
Other names: short protein forms Y790H.
Identifiers: ClinVar variation 2097887 (VCV002097887.4), dbSNP rs2480363255, ClinGen allele CA362424323.
Genomic context (GRCh38, chr5:178,982,978, plus strand): 5'-CTGACTGGGCAGTGCCAAAGAAGATGGGCACGAATGCCAGCCAGATGATGCAGGTGGTGT[A>G]CATGGTGAAGCCGATGGGCTTGGCCTCGTTGAAGGTCTCGGGCACGCCACGGGCCTTGAT-3'
Protein context (NP_000834.2, residues 780-800): NEAKPIGFTM[Tyr790His]TTCIIWLAFV